The following is an entry in ClinVar:

NM_014908.4(DOLK):c.1508A>G (p.Tyr503Cys)

Gene: DOLK (dolichol kinase; minus strand). Cytogenetic location: 9q34.11.
Variant type: single nucleotide variant.
Coding change: c.1508A>G on transcript NM_014908.4 (MANE Select); coding-DNA position 1508, A replaced by G.
Protein change: p.Tyr503Cys; replaces tyrosine 503 with cysteine.
Molecular consequence: missense variant.
Genome position (GRCh38, 1-based): chr9:128,945,796, T>C on the plus strand (A>G on the coding strand, the complement: DOLK is on the minus strand). VCF-style: chr9-128945796-T-C. GRCh37 (hg19) VCF-style: chr9-131708075-T-C.
Other names: short protein forms Y503C.
Identifiers: ClinVar variation 1774116 (VCV001774116.2), dbSNP rs2492002575, ClinGen allele CA375116063.

ClinVar aggregate classification (germline): Uncertain significance (1 of 4 stars; one submission).

Conditions:
Cardiovascular phenotype. Identifiers: MedGen CN230736.

Submission:

Ambry Genetics
Classification: Uncertain significance for Cardiovascular phenotype. Last evaluated: 2021-10-11. Review status: criteria provided, single submitter. Criteria: Ambry Variant Classification Scheme 2023. Collection method: clinical testing. Allele origin: germline.
Comment: The p.Y503C variant (also known as c.1508A>G), located in coding exon 1 of the DOLK gene, results from an A to G substitution at nucleotide position 1508. The tyrosine at codon 503 is replaced by cysteine, an amino acid with highly dissimilar properties. This amino acid position is conserved. In addition, this alteration is predicted to be deleterious by in silico analysis. Since supporting evidence is limited at this time, the clinical significance of this alteration remains unclear.